The following is an entry in ClinVar:

NM_001042492.3(NF1):c.4464A>G (p.Thr1488=)

Gene: NF1 (neurofibromin 1; plus strand). Cytogenetic location: 17q11.2.
Variant type: single nucleotide variant.
Coding change: c.4464A>G on transcript NM_001042492.3 (MANE Select); coding-DNA position 4464, A replaced by G.
Protein change: p.Thr1488=; no amino-acid change (threonine 1488 retained).
Molecular consequence: synonymous variant.
Genome position (GRCh38, 1-based): chr17:31,260,402, A>G. VCF-style: chr17-31260402-A-G. GRCh37 (hg19) VCF-style: chr17-29587420-A-G.
Other names: c.4401A>G, p.Thr1467= (NM_000267.4).
Identifiers: ClinVar variation 3404902 (VCV003404902.2).

ClinVar aggregate classification (germline): Benign/Likely benign. Review status: criteria provided, multiple submitters, no conflicts (2 of 4 stars). 2 submissions from 2 submitters: Benign (1); Likely benign (1). Last evaluated 2026-05-19.

Conditions:
Hereditary cancer-predisposing syndrome. Also called: Neoplastic Syndromes, Hereditary; Tumor predisposition; Hereditary Cancer Syndrome; Hereditary neoplastic syndrome. Identifiers: Orphanet 140162, MedGen C0027672, MeSH D009386, MONDO:0015356.
Cardiovascular phenotype. Identifiers: MedGen CN230736.
Neurofibromatosis, type 1 (NF1). Also called: NEUROFIBROMATOSIS, TYPE I, SOMATIC; Peripheral type neurofibromatosis; VON RECKLINGHAUSEN DISEASE; Neurofibromatosis, type I. Identifiers: Orphanet 636, MedGen C0027831, MONDO:0018975, OMIM 162200. Disease mechanism: loss of function.

Submissions (2):

Myriad Genetics, Inc.
Classification: Benign for Neurofibromatosis, type 1. Last evaluated: 2026-05-19. Review status: criteria provided, single submitter. Criteria: Myriad Autosomal Dominant, Autosomal Recessive and X-Linked Classification Criteria (2023). Collection method: clinical testing. Allele origin: unknown.
Comment: This variant is considered benign. This variant is a silent/synonymous amino acid change and it is not expected to impact splicing.

Ambry Genetics
Classification: Likely benign for Cardiovascular phenotype; Hereditary cancer-predisposing syndrome. Last evaluated: 2024-11-05. Review status: criteria provided, single submitter. Criteria: Ambry Variant Classification Scheme 2023. Collection method: clinical testing. Allele origin: germline.